The following is an entry in ClinVar:

NM_001371596.2(MFSD8):c.566G>A (p.Cys189Tyr)

Gene: MFSD8 (major facilitator superfamily domain containing 8; minus strand). Cytogenetic location: 4q28.2.
Variant type: single nucleotide variant.
Coding change: c.566G>A on transcript NM_001371596.2 (MANE Select); coding-DNA position 566, G replaced by A.
Protein change: p.Cys189Tyr; replaces cysteine 189 with tyrosine.
Molecular consequence: missense variant. On other transcripts: intron variant (5).
Genome position (GRCh38, 1-based): chr4:127,939,985, C>T on the plus strand (G>A on the coding strand, the complement: MFSD8 is on the minus strand). VCF-style: chr4-127939985-C-T. GRCh37 (hg19) VCF-style: chr4-128861140-C-T.
Other names: c.431G>A, p.Cys144Tyr (NM_001371590.2); c.566G>A, p.Cys189Tyr (NM_001371591.2, NM_152778.4); c.572G>A, p.Cys191Tyr (NM_001371592.2); c.452G>A, p.Cys151Tyr (NM_001371593.2, NM_001410766.1); c.419-1149G>A (NM_001371595.1); c.304+3767G>A (NM_001410765.1); c.439+3767G>A (NM_001363521.3); c.553+2060G>A (NM_001363520.3); and 1 more; short protein forms C151Y, C144Y, C191Y, C189Y.
Identifiers: ClinVar variation 839861 (VCV000839861.7), dbSNP rs1355954321, ClinGen allele CA358175581.

ClinVar aggregate classification (germline): Uncertain significance. Review status: criteria provided, single submitter (1 of 4 stars). 2 submissions from 2 submitters: Uncertain significance (1). 1 of the submissions does not count toward it. Last evaluated 2026-02-02.

Conditions:
Late-infantile neuronal ceroid lipofuscinosis. Also called: Jansky-Bielschowsky disease. Identifiers: MedGen C0022340, MONDO:0015674.
Neuronal ceroid lipofuscinosis 7 (CLN7). Also called: MFSD8-Related Neuronal Ceroid-Lipofuscinosis. Identifiers: Orphanet 168491, Orphanet 228366, MedGen C1838571, MONDO:0012588, OMIM 610951.

Allele frequency attached by ClinVar (database versions not stated): gnomAD exomes below 0.00001 and 0.00001; gnomAD 0.00001; TOPMed 0.00001.
gnomAD v4.1: 16 of 1,612,832 alleles (0.00099%); highest among the groups gnomAD compares: African/African-American, 0.0013%; no homozygotes.

Submissions (2):

Labcorp Genetics (formerly Invitae), Labcorp
Classification: Uncertain significance for Neuronal ceroid lipofuscinosis 7. Last evaluated: 2026-02-02. Review status: criteria provided, single submitter. Criteria: Invitae Variant Classification Sherloc (09022015). Collection method: clinical testing. Allele origin: germline.
Comment: This sequence change replaces cysteine, which is neutral and slightly polar, with tyrosine, which is neutral and polar, at codon 189 of the MFSD8 protein (p.Cys189Tyr). This variant is present in population databases (no rsID available, gnomAD 0.0009%). This variant has not been reported in the literature in individuals affected with MFSD8-related conditions. ClinVar contains an entry for this variant (Variation ID: 839861). Invitae Evidence Modeling of protein sequence and biophysical properties (such as structural, functional, and spatial information, amino acid conservation, physicochemical variation, residue mobility, and thermodynamic stability) indicates that this missense variant is not expected to disrupt MFSD8 protein function with a negative predictive value of 80%. In summary, the available evidence is currently insufficient to determine the role of this variant in disease. Therefore, it has been classified as a Variant of Uncertain Significance.

Natera, Inc.
Classification: Uncertain significance for Late-infantile neuronal ceroid lipofuscinosis. Last evaluated: 2020-09-16. Review status: no assertion criteria provided. Collection method: clinical testing. Allele origin: germline. Not counted in ClinVar's aggregate classification.